The following is an entry in ClinVar:

NM_001142800.2(EYS):c.5834_5835+4del

Gene: EYS (EGF-like photoreceptor maintenance factor; minus strand). Cytogenetic location: 6q12.
Variant type: Deletion.
Coding change: c.5834_5835+4del on transcript NM_001142800.2 (MANE Select); coding-DNA position 5834 through 4 bases into the intron after coding-DNA position 5835, 6 bases deleted (AGGTAA; older notation c.5834_5835+4delAGGTAA).
Molecular consequence: splice donor variant.
Genome position (GRCh38, 1-based): chr6:64,439,158-64,439,163, TTACCT deleted on the plus strand (AGGTAA on the coding strand, the reverse complement: EYS is on the minus strand); deleting any 6 consecutive bases within chr6:64,439,158-64,439,166 gives the same sequence; the c. name uses the placement nearest the transcript's 3' end. VCF-style (leftmost placement, unchanged base first): chr6-64439157-CTTACCT-C. GRCh37 (hg19) VCF-style: chr6-65149050-CTTACCT-C.
Other names: c.5834_5835+4delAGGTAA (NM_001142800.1); c.5834_5835+4del (NM_001292009.2).
Identifiers: ClinVar variation 656986 (VCV000656986.10), dbSNP rs1582753394, ClinGen allele CA567744494.

ClinVar aggregate classification (germline): Pathogenic (1 of 4 stars; one submission).

Submission:

Labcorp Genetics (formerly Invitae), Labcorp
Classification: Pathogenic. Last evaluated: 2025-03-17. Review status: criteria provided, single submitter. Criteria: Invitae Variant Classification Sherloc (09022015). Collection method: clinical testing. Allele origin: germline.
Comment: This variant results in the deletion of part of exon 27 (c.5834_5835+4del) of the EYS gene. It is expected to disrupt RNA splicing. Variants that disrupt the donor or acceptor splice site typically lead to a loss of protein function (PMID: 16199547), and loss-of-function variants in EYS are known to be pathogenic (PMID: 18836446, 20333770). This variant is not present in population databases (gnomAD no frequency). This variant has been observed in individuals with EYS-related conditions (internal data). ClinVar contains an entry for this variant (Variation ID: 656986). For these reasons, this variant has been classified as Pathogenic.

Literature cited by the submitters: PubMed 16199547; PubMed 18836446; PubMed 20333770.